The following is an entry in ClinVar:

ClinVar aggregate classification (germline): Uncertain significance (1 of 4 stars; one submission).

Conditions:
Glycogen storage disease type III (GSD3). Also called: Cori disease; FORBES DISEASE. Identifiers: Orphanet 366, MedGen C0017922, MONDO:0009291, OMIM 232400.

Allele frequency attached by ClinVar (database versions not stated): gnomAD exomes below 0.00001; TOPMed below 0.00001.
gnomAD v4.1: 3 of 1,613,330 alleles (0.00019%); highest among the groups gnomAD compares: Non-Finnish European, 0.00025%; no homozygotes.

Submission:

Labcorp Genetics (formerly Invitae), Labcorp
Classification: Uncertain significance for Glycogen storage disease type III. Last evaluated: 2021-09-02. Review status: criteria provided, single submitter. Criteria: Invitae Variant Classification Sherloc (09022015). Collection method: clinical testing. Allele origin: germline.
Comment: This sequence change replaces lysine with glutamic acid at codon 816 of the AGL protein (p.Lys816Glu). The lysine residue is moderately conserved and there is a small physicochemical difference between lysine and glutamic acid. This variant is not present in population databases (ExAC no frequency). This variant has not been reported in the literature in individuals affected with AGL-related conditions. Algorithms developed to predict the effect of missense changes on protein structure and function (SIFT, PolyPhen-2, Align-GVGD) all suggest that this variant is likely to be tolerated. In summary, the available evidence is currently insufficient to determine the role of this variant in disease. Therefore, it has been classified as a Variant of Uncertain Significance.

NM_000642.3(AGL):c.2446A>G (p.Lys816Glu)

Gene: AGL (amylo-alpha-1,6-glucosidase and 4-alpha-glucanotransferase; plus strand). Cytogenetic location: 1p21.2.
Variant type: single nucleotide variant.
Coding change: c.2446A>G on transcript NM_000642.3 (MANE Select); coding-DNA position 2446, A replaced by G.
Protein change: p.Lys816Glu; replaces lysine 816 with glutamic acid.
Molecular consequence: missense variant.
Genome position (GRCh38, 1-based): chr1:99,884,351, A>G. VCF-style: chr1-99884351-A-G. GRCh37 (hg19) VCF-style: chr1-100349907-A-G.
Other names: c.2446A>G, p.Lys816Glu (NM_000028.3, NM_000643.3, NM_000644.3 and 2 more transcripts); c.2398A>G, p.Lys800Glu (NM_000646.3); c.2245A>G, p.Lys749Glu (NM_001425327.1); c.2242A>G, p.Lys748Glu (NM_001425328.1, NM_001425329.1); c.2068A>G, p.Lys690Glu (NM_001425332.1); short protein forms K816E, K800E, K690E, K748E, K749E.
Identifiers: ClinVar variation 942772 (VCV000942772.6), dbSNP rs1652283067, ClinGen allele CA341321075.